The following is an entry in ClinVar:

NM_001354604.2(MITF):c.1577G>T (p.Cys526Phe)

Gene: MITF (melanocyte inducing transcription factor; plus strand). Cytogenetic location: 3p13.
Variant type: single nucleotide variant.
Coding change: c.1577G>T on transcript NM_001354604.2 (MANE Select); coding-DNA position 1577, G replaced by T.
Protein change: p.Cys526Phe; replaces cysteine 526 with phenylalanine.
Molecular consequence: missense variant.
Genome position (GRCh38, 1-based): chr3:69,965,244, G>T. VCF-style: chr3-69965244-G-T. GRCh37 (hg19) VCF-style: chr3-70014395-G-T.
Other names: c.1256G>T, p.Cys419Phe (NM_000248.4); c.1403G>T, p.Cys468Phe (NM_001184967.2, NM_001354608.2); c.1574G>T, p.Cys525Phe (NM_001354605.2); c.1556G>T, p.Cys519Phe (NM_001354606.2, NM_006722.3); c.1508G>T, p.Cys503Phe (NM_001354607.2); c.1238G>T, p.Cys413Phe (NM_198158.3); c.1559G>T, p.Cys520Phe (NM_198159.3); c.1511G>T, p.Cys504Phe (NM_198177.3); and 1 more; short protein forms C357F, C468F, C503F, C413F, C419F, C504F, C520F, C519F.
Identifiers: ClinVar variation 3873264 (VCV003873264.1).

ClinVar aggregate classification (germline): Uncertain significance (1 of 4 stars; one submission).

Conditions:
Hereditary cancer-predisposing syndrome. Also called: Tumor predisposition; Neoplastic Syndromes, Hereditary; Hereditary Cancer Syndrome; Hereditary neoplastic syndrome. Identifiers: Orphanet 140162, MedGen C0027672, MeSH D009386, MONDO:0015356.

Submission:

Ambry Genetics
Classification: Uncertain significance for Hereditary cancer-predisposing syndrome. Last evaluated: 2025-03-14. Review status: criteria provided, single submitter. Criteria: Ambry Variant Classification Scheme 2023. Collection method: clinical testing. Allele origin: germline.
Comment: The p.C419F variant (also known as c.1256G>T), located in coding exon 9 of the MITF gene, results from a G to T substitution at nucleotide position 1256. The cysteine at codon 419 is replaced by phenylalanine, an amino acid with highly dissimilar properties. This amino acid position is conserved. In addition, the in silico prediction for this alteration is inconclusive. Based on the available evidence, the clinical significance of this variant remains unclear.